The following is an entry in ClinVar:

NM_000135.4(FANCA):c.4276G>C (p.Gly1426Arg)

Genes: FANCA (FA complementation group A; minus strand), ZNF276 (zinc finger protein 276; plus strand). Cytogenetic location: 16q24.3.
Variant type: single nucleotide variant.
Coding change: c.4276G>C on transcript NM_000135.4 (MANE Select); coding-DNA position 4276, G replaced by C.
Protein change: p.Gly1426Arg; replaces glycine 1426 with arginine.
Molecular consequence: missense variant. On other transcripts: 3 prime UTR variant (3), non-coding transcript variant (4).
Genome position (GRCh38, 1-based): chr16:89,738,693, C>G on the plus strand (G>C on the coding strand, the complement: FANCA is on the minus strand). VCF-style: chr16-89738693-C-G. GRCh37 (hg19) VCF-style: chr16-89805101-C-G.
Other names: c.4276G>C (NM_000135.3); c.*5G>C (NM_001286167.3); c.*447C>G (NM_001113525.2, NM_152287.4); short protein forms G1426R.
Identifiers: ClinVar variation 2201773 (VCV002201773.6), dbSNP rs2544073452, ClinGen allele CA397483136.

ClinVar aggregate classification (germline): Uncertain significance. Review status: criteria provided, multiple submitters, no conflicts (2 of 4 stars). 3 submissions from 3 submitters: Uncertain significance (2). 1 of the submissions does not count toward it. Last evaluated 2026-03-02.

Conditions:
Fanconi anemia (FA). Also called: Fanconi's anemia. Identifiers: Orphanet 84, MedGen C0015625, MeSH D005199, MONDO:0019391.
Inborn genetic diseases. Identifiers: MedGen C0950123, MeSH D030342.

gnomAD v4.1: 1 of 1,613,936 alleles (0.000062%); highest among the groups gnomAD compares: South Asian, 0.0011%; no homozygotes.

Submissions (3):

Ambry Genetics
Classification: Uncertain significance for Inborn genetic diseases. Last evaluated: 2026-03-02. Review status: criteria provided, single submitter. Criteria: Ambry Variant Classification Scheme 2023. Collection method: clinical testing. Allele origin: germline.
Comment: The p.G1426R variant (also known as c.4276G>C), located in coding exon 43 of the FANCA gene, results from a G to C substitution at nucleotide position 4276. The glycine at codon 1426 is replaced by arginine, an amino acid with dissimilar properties. This amino acid position is conserved. In addition, this alteration is predicted to be tolerated by in silico analysis. Based on the available evidence, the clinical significance of this variant remains unclear.

Labcorp Genetics (formerly Invitae), Labcorp
Classification: Uncertain significance for Fanconi anemia. Last evaluated: 2023-07-03. Review status: criteria provided, single submitter. Criteria: Invitae Variant Classification Sherloc (09022015). Collection method: clinical testing. Allele origin: germline.
Comment: This sequence change replaces glycine, which is neutral and non-polar, with arginine, which is basic and polar, at codon 1426 of the FANCA protein (p.Gly1426Arg). In summary, the available evidence is currently insufficient to determine the role of this variant in disease. Therefore, it has been classified as a Variant of Uncertain Significance. Advanced modeling of protein sequence and biophysical properties (such as structural, functional, and spatial information, amino acid conservation, physicochemical variation, residue mobility, and thermodynamic stability) performed at Invitae indicates that this missense variant is not expected to disrupt FANCA protein function. ClinVar contains an entry for this variant (Variation ID: 2201773). This variant has not been reported in the literature in individuals affected with FANCA-related conditions. This variant is not present in population databases (gnomAD no frequency).

Natera, Inc.
Classification: Uncertain significance for Fanconi anemia. Last evaluated: 2025-04-21. Review status: no assertion criteria provided. Collection method: clinical testing. Allele origin: germline. Not counted in ClinVar's aggregate classification.